The following is an entry in ClinVar:

ClinVar aggregate classification (germline): Uncertain significance. Review status: criteria provided, multiple submitters, no conflicts (2 of 4 stars). 2 submissions from 2 submitters: Uncertain significance (2). Last evaluated 2023-08-04.

Conditions:
Hereditary cancer-predisposing syndrome. Also called: Tumor predisposition; Hereditary neoplastic syndrome; Hereditary Cancer Syndrome; Neoplastic Syndromes, Hereditary. Identifiers: Orphanet 140162, MedGen C0027672, MeSH D009386, MONDO:0015356.
Ataxia-telangiectasia syndrome (AT). Also called: Ataxia-telangiectasia; LOUIS-BAR SYNDROME; AT, COMPLEMENTATION GROUP C; Ataxia-telangiectasia, complementation group E; Ataxia telangiectasia (A-T); Cerebello-oculocutaneous telangiectasia. Identifiers: Orphanet 100, MedGen C0004135, MONDO:0008840, OMIM 208900.

Submissions (2):

Ambry Genetics
Classification: Uncertain significance for Hereditary cancer-predisposing syndrome. Last evaluated: 2023-08-04. Review status: criteria provided, single submitter. Criteria: Ambry Variant Classification Scheme 2023. Collection method: clinical testing. Allele origin: germline.
Comment: The p.Q1311P variant (also known as c.3932A>C), located in coding exon 25 of the ATM gene, results from an A to C substitution at nucleotide position 3932. The glutamine at codon 1311 is replaced by proline, an amino acid with similar properties. This amino acid position is conserved. In addition, this alteration is predicted to be tolerated by in silico analysis. Since supporting evidence is limited at this time, the clinical significance of this alteration remains unclear.

Labcorp Genetics (formerly Invitae), Labcorp
Classification: Uncertain significance for Ataxia-telangiectasia syndrome. Last evaluated: 2022-09-26. Review status: criteria provided, single submitter. Criteria: Invitae Variant Classification Sherloc (09022015). Collection method: clinical testing. Allele origin: germline.
Comment: This variant has not been reported in the literature in individuals affected with ATM-related conditions. This sequence change replaces glutamine, which is neutral and polar, with proline, which is neutral and non-polar, at codon 1311 of the ATM protein (p.Gln1311Pro). This variant is not present in population databases (gnomAD no frequency). ClinVar contains an entry for this variant (Variation ID: 1448157). Algorithms developed to predict the effect of missense changes on protein structure and function (SIFT, PolyPhen-2, Align-GVGD) all suggest that this variant is likely to be tolerated. In summary, the available evidence is currently insufficient to determine the role of this variant in disease. Therefore, it has been classified as a Variant of Uncertain Significance.

NM_000051.4(ATM):c.3932A>C (p.Gln1311Pro)

Gene: ATM (ATM serine/threonine kinase; plus strand). Cytogenetic location: 11q22.3.
Variant type: single nucleotide variant.
Coding change: c.3932A>C on transcript NM_000051.4 (MANE Select); coding-DNA position 3932, A replaced by C.
Protein change: p.Gln1311Pro; replaces glutamine 1311 with proline.
Molecular consequence: missense variant.
Genome position (GRCh38, 1-based): chr11:108,284,412, A>C. VCF-style: chr11-108284412-A-C. GRCh37 (hg19) VCF-style: chr11-108155139-A-C.
Other names: c.3932A>C, p.Gln1311Pro (NM_001351834.2); c.3932A>C (NM_000051.3); short protein forms Q1311P.
Identifiers: ClinVar variation 1448157 (VCV001448157.9), dbSNP rs2135708785, ClinGen allele CA382525900.
Genomic context (GRCh38, chr11:108,284,412, plus strand): 5'-TTGTAAATATTCTTCCTTATTTTGCCTATGAGGGTACCAGAGACAGTGGGATGGCACAGC[A>C]AAGAGAGACTGCTACCAAGGTCTATGATATGCTTAAAAGTGAAAACTTATTGGGAAAACA-3'
Protein context (NP_000042.3, residues 1301-1321): EGTRDSGMAQ[Gln1311Pro]RETATKVYDM